The following is an entry in ClinVar:

NM_020964.3(EPG5):c.2332A>G (p.Thr778Ala)

Gene: EPG5 (ectopic P-granules 5 autophagy tethering factor; minus strand). Cytogenetic location: 18q21.1.
Variant type: single nucleotide variant.
Coding change: c.2332A>G on transcript NM_020964.3 (MANE Select); coding-DNA position 2332, A replaced by G.
Protein change: p.Thr778Ala; replaces threonine 778 with alanine.
Molecular consequence: missense variant.
Genome position (GRCh38, 1-based): chr18:45,930,756, T>C on the plus strand (A>G on the coding strand, the complement: EPG5 is on the minus strand). VCF-style: chr18-45930756-T-C. GRCh37 (hg19) VCF-style: chr18-43510722-T-C.
Other names: short protein forms T778A.
Identifiers: ClinVar variation 851964 (VCV000851964.7), dbSNP rs201694766, ClinGen allele CA8949457.

ClinVar aggregate classification (germline): Uncertain significance. Review status: criteria provided, multiple submitters, no conflicts (2 of 4 stars). 2 submissions from 2 submitters: Uncertain significance (2). Last evaluated 2024-10-30.

Conditions:
Inborn genetic diseases. Identifiers: MedGen C0950123, MeSH D030342.
Vici syndrome (VICIS). Identifiers: Orphanet 1493, MedGen C1855772, MONDO:0009452, OMIM 242840.

Allele frequency attached by ClinVar (database versions not stated): gnomAD exomes 0.00006; ExAC 0.00007; gnomAD 0.00008 and 0.00009; TOPMed 0.00009; ESP Exome Variant Server 0.00017.
gnomAD v4.1: 115 of 1,612,062 alleles (0.0071%); highest among the groups gnomAD compares: Non-Finnish European, 0.0087%; no homozygotes.

Submissions (2):

Labcorp Genetics (formerly Invitae), Labcorp
Classification: Uncertain significance for Vici syndrome. Last evaluated: 2024-10-30. Review status: criteria provided, single submitter. Criteria: Invitae Variant Classification Sherloc (09022015). Collection method: clinical testing. Allele origin: germline.
Comment: This sequence change replaces threonine, which is neutral and polar, with alanine, which is neutral and non-polar, at codon 778 of the EPG5 protein (p.Thr778Ala). This variant is present in population databases (rs201694766, gnomAD 0.02%). This variant has not been reported in the literature in individuals affected with EPG5-related conditions. ClinVar contains an entry for this variant (Variation ID: 851964). Invitae Evidence Modeling of protein sequence and biophysical properties (such as structural, functional, and spatial information, amino acid conservation, physicochemical variation, residue mobility, and thermodynamic stability) indicates that this missense variant is not expected to disrupt EPG5 protein function with a negative predictive value of 80%. In summary, the available evidence is currently insufficient to determine the role of this variant in disease. Therefore, it has been classified as a Variant of Uncertain Significance.

Ambry Genetics
Classification: Uncertain significance for Inborn genetic diseases. Last evaluated: 2024-06-07. Review status: criteria provided, single submitter. Criteria: Ambry Variant Classification Scheme 2023. Collection method: clinical testing. Allele origin: germline.